The following is an entry in ClinVar:

ClinVar aggregate classification (germline): Uncertain significance (1 of 4 stars; one submission).

gnomAD v4.1: 8 of 1,613,784 alleles (0.0005%); highest among the groups gnomAD compares: East Asian, 0.0022%; no homozygotes.

Submission:

Labcorp Genetics (formerly Invitae), Labcorp
Classification: Uncertain significance. Last evaluated: 2023-07-24. Review status: criteria provided, single submitter. Criteria: Invitae Variant Classification Sherloc (09022015). Collection method: clinical testing. Allele origin: germline.
Comment: In summary, the available evidence is currently insufficient to determine the role of this variant in disease. Therefore, it has been classified as a Variant of Uncertain Significance. Algorithms developed to predict the effect of missense changes on protein structure and function output the following: SIFT: "Not Available"; PolyPhen-2: "Benign"; Align-GVGD: "Not Available". The alanine amino acid residue is found in multiple mammalian species, which suggests that this missense change does not adversely affect protein function. This variant has not been reported in the literature in individuals affected with CNGA3-related conditions. This variant is not present in population databases (gnomAD no frequency). This sequence change replaces valine, which is neutral and non-polar, with alanine, which is neutral and non-polar, at codon 669 of the CNGA3 protein (p.Val669Ala).

NM_001298.3(CNGA3):c.2006T>C (p.Val669Ala)

Gene: CNGA3 (cyclic nucleotide gated channel subunit alpha 3; plus strand). Cytogenetic location: 2q11.2.
Variant type: single nucleotide variant.
Coding change: c.2006T>C on transcript NM_001298.3 (MANE Select); coding-DNA position 2006, T replaced by C.
Protein change: p.Val669Ala; replaces valine 669 with alanine.
Molecular consequence: missense variant.
Genome position (GRCh38, 1-based): chr2:98,397,176, T>C. VCF-style: chr2-98397176-T-C. GRCh37 (hg19) VCF-style: chr2-99013639-T-C.
Other names: c.1952T>C, p.Val651Ala (NM_001079878.2); short protein forms V651A, V669A.
Identifiers: ClinVar variation 2803458 (VCV002803458.3), dbSNP rs1196670430, ClinGen allele CA347834764.